The following is an entry in ClinVar:

ClinVar aggregate classification (germline): Benign/Likely benign. Review status: criteria provided, multiple submitters, no conflicts (2 of 4 stars). 12 submissions from 12 submitters: Benign (3); Likely benign (5). 4 of the submissions do not count toward it. Last evaluated 2026-04-01.

Conditions:
CTNNB1-related disorder. Also called: CTNNB1-related condition.
Inborn genetic diseases. Identifiers: MedGen C0950123, MeSH D030342.
Hepatocellular carcinoma (HCC). Also called: Primary carcinoma of liver; HEPATOMA; LIVER CELL CARCINOMA. Identifiers: Orphanet 88673, MedGen C2239176, MONDO:0007256, OMIM 114550, HP:0001402.

Allele frequency attached by ClinVar (database versions not stated): ExAC 0.00057; gnomAD exomes 0.00057 and 0.00126; gnomAD 0.00086 and 0.00087; TOPMed 0.00086; ESP Exome Variant Server 0.00100.
gnomAD v4.1: 1,961 of 1,614,172 alleles (0.12%); highest among the groups gnomAD compares: Non-Finnish European, 0.15%; 2 homozygotes.

Submissions (12):

CeGaT Center for Human Genetics Tuebingen
Classification: Likely benign. Last evaluated: 2026-04-01. Review status: criteria provided, single submitter. Criteria: CeGaT Center For Human Genetics Tuebingen Variant Classification Criteria Version 2. Collection method: clinical testing. Allele origin: germline. Affected: yes. Observed: 11 variant alleles.
Comment: CTNNB1: BS1

Labcorp Genetics (formerly Invitae), Labcorp
Classification: Benign. Last evaluated: 2025-12-03. Review status: criteria provided, single submitter. Criteria: Invitae Variant Classification Sherloc (09022015). Collection method: clinical testing. Allele origin: germline.

Blueprint Genetics
Classification: Likely benign. Last evaluated: 2024-10-03. Review status: criteria provided, single submitter. Criteria: ACMG Guidelines, 2015. Collection method: clinical testing. Allele origin: germline.

Ambry Genetics
Classification: Benign for Inborn genetic diseases. Last evaluated: 2022-07-04. Review status: criteria provided, single submitter. Criteria: Ambry Variant Classification Scheme 2023. Collection method: clinical testing. Allele origin: germline.

GeneDx
Classification: Benign. Last evaluated: 2020-01-24. Review status: criteria provided, single submitter. Criteria: GeneDx Variant Classification Process June 2021. Collection method: clinical testing. Allele origin: germline. Affected: yes.
Comment: This variant is associated with the following publications: (PMID: 22006429, 16596323, 15753653, 19898734, 15520370, 24728327, 22875147)

Mendelics
Classification: Likely benign for Hepatocellular carcinoma. Last evaluated: 2019-05-28. Review status: criteria provided, single submitter. Criteria: Mendelics Assertion Criteria 2017. Collection method: clinical testing. Allele origin: unknown.

Genetic Services Laboratory, University of Chicago
Classification: Likely benign. Last evaluated: 2017-02-24. Review status: criteria provided, single submitter. Criteria: ACMG Guidelines, 2015. Collection method: clinical testing. Allele origin: germline. Affected: no.

Breakthrough Genomics
Classification: Likely benign. Review status: criteria provided, single submitter. Criteria: ACMG Guidelines, 2015. Collection method: not provided. Allele origin: germline. Inheritance: Autosomal recessive inheritance. Affected: yes.

PreventionGenetics, part of Exact Sciences
Classification: Likely benign for CTNNB1-related condition. Last evaluated: 2019-09-12. Review status: no assertion criteria provided. Collection method: clinical testing. Allele origin: germline. Not counted in ClinVar's aggregate classification.
Comment: This variant is classified as likely benign based on ACMG/AMP sequence variant interpretation guidelines (Richards et al. 2015 PMID: 25741868, with internal and published modifications).

ITMI
No classification provided. Condition: AllHighlyPenetrant. Last evaluated: 2013-09-19. Review status: no classification provided. Collection method: reference population. Allele origin: germline. Not counted in ClinVar's aggregate classification.
Comment: Please see associated publication for description of ethnicities

Diagnostic Laboratory, Department of Genetics, University Medical Center Groningen
Classification: Likely benign. Review status: no assertion criteria provided. Collection method: clinical testing. Allele origin: germline. Affected: yes. Study: VKGL Data-share Consensus. Not counted in ClinVar's aggregate classification.

Laboratory of Diagnostic Genome Analysis, Leiden University Medical Center (LUMC)
Classification: Likely benign. Review status: no assertion criteria provided. Collection method: clinical testing. Allele origin: germline. Affected: yes. Study: VKGL Data-share Consensus. Not counted in ClinVar's aggregate classification.

Literature cited by the submitters: PubMed 24728327 (cited by ITMI).

NM_001904.4(CTNNB1):c.860A>G (p.Asn287Ser)

Gene: CTNNB1 (catenin beta 1; plus strand). Cytogenetic location: 3p22.1.
Variant type: single nucleotide variant.
Coding change: c.860A>G on transcript NM_001904.4 (MANE Select); coding-DNA position 860, A replaced by G.
Protein change: p.Asn287Ser; replaces asparagine 287 with serine.
Molecular consequence: missense variant.
Genome position (GRCh38, 1-based): chr3:41,225,785, A>G. VCF-style: chr3-41225785-A-G. GRCh37 (hg19) VCF-style: chr3-41267276-A-G.
Other names: c.860A>G, p.Asn287Ser (NM_001098209.2, NM_001098210.2); c.839A>G, p.Asn280Ser (NM_001330729.2); short protein forms N287S, N280S.
Identifiers: ClinVar variation 133954 (VCV000133954.49), dbSNP rs35288908, ClinGen allele CA158232.
Genomic context (GRCh38, chr3:41,225,785, plus strand): 5'-AAGGAGCTAAAATGGCAGTGCGTTTAGCTGGTGGGCTGCAGAAAATGGTTGCCTTGCTCA[A>G]CAAAACAAATGTTAAATTCTTGGCTATTACGACAGACTGCCTTCAAATTTTAGCTTATGG-3'
Protein context (NP_001895.1, residues 277-297): GGLQKMVALL[Asn287Ser]KTNVKFLAIT